The following is an entry in ClinVar:

ClinVar aggregate classification (germline): Likely benign. Review status: criteria provided, single submitter (1 of 4 stars). 2 submissions from 2 submitters: Likely benign (1). 1 of the submissions does not count toward it. Last evaluated 2022-09-22.

Conditions:
Inborn genetic diseases. Identifiers: MedGen C0950123, MeSH D030342.
SETD1B-related disorder. Also called: SETD1B-related condition.

Allele frequency attached by ClinVar (database versions not stated): TOPMed 0.00007; gnomAD exomes 0.00008; gnomAD 0.00009; ExAC 0.00013.
gnomAD v4.1: 129 of 1,549,148 alleles (0.0083%); highest among the groups gnomAD compares: Middle Eastern, 0.017%; no homozygotes.

Submissions (2):

Ambry Genetics
Classification: Likely benign for Inborn genetic diseases. Last evaluated: 2022-09-22. Review status: criteria provided, single submitter. Criteria: Ambry Variant Classification Scheme 2023. Collection method: clinical testing. Allele origin: germline.

PreventionGenetics, part of Exact Sciences
Classification: Likely benign for SETD1B-related condition. Last evaluated: 2023-08-27. Review status: no assertion criteria provided. Collection method: clinical testing. Allele origin: germline. Not counted in ClinVar's aggregate classification.
Comment: This variant is classified as likely benign based on ACMG/AMP sequence variant interpretation guidelines (Richards et al. 2015 PMID: 25741868, with internal and published modifications).

NM_001353345.2(SETD1B):c.4859C>T (p.Pro1620Leu)

Gene: SETD1B (SET domain containing 1B, histone lysine methyltransferase; plus strand). Cytogenetic location: 12q24.31.
Variant type: single nucleotide variant.
Coding change: c.4859C>T on transcript NM_001353345.2 (MANE Select); coding-DNA position 4859, C replaced by T.
Protein change: p.Pro1620Leu; replaces proline 1620 with leucine.
Molecular consequence: missense variant.
Genome position (GRCh38, 1-based): chr12:121,823,438, C>T. VCF-style: chr12-121823438-C-T. GRCh37 (hg19) VCF-style: chr12-122261344-C-T.
Other names: NM_015048.1:c.4730C>T; short protein forms P1620L.
Identifiers: ClinVar variation 2375227 (VCV002375227.4), dbSNP rs767789389, ClinGen allele CA6839234.